The following is an entry in ClinVar:

ClinVar aggregate classification (germline): Likely pathogenic (1 of 4 stars; one submission).

Conditions:
Joubert syndrome. Also called: Familial aplasia of the vermis; JOUBERT-BOLTSHAUSER SYNDROME; CEREBELLOPARENCHYMAL DISORDER IV. Identifiers: Orphanet 475, MedGen C5979921, MONDO:0018772.
Orofaciodigital syndrome I (OFD1). Also called: Papillon-Leage and Psaume Syndrome; OFDS I; Oral-Facial-Digital Syndrome Type I. Identifiers: Orphanet 2750, MedGen C1510460, MONDO:0010702, OMIM 311200.

Submission:

Labcorp Genetics (formerly Invitae), Labcorp
Classification: Likely pathogenic for Orofaciodigital syndrome I; Joubert syndrome. Last evaluated: 2025-11-08. Review status: criteria provided, single submitter. Criteria: Invitae Variant Classification Sherloc (09022015). Collection method: clinical testing. Allele origin: germline.
Comment: This sequence change affects an acceptor splice site in intron 16 of the OFD1 gene. It is expected to disrupt RNA splicing. Variants that disrupt the donor or acceptor splice site typically lead to a loss of protein function (PMID: 16199547), and loss-of-function variants in OFD1 are known to be pathogenic (PMID: 16783569, 18546297, 27081566). This variant is not present in population databases (gnomAD no frequency). This variant has not been reported in the literature in individuals affected with OFD1-related conditions. Algorithms developed to predict the effect of sequence changes on RNA splicing suggest that this variant may disrupt the consensus splice site. In summary, the currently available evidence indicates that the variant is pathogenic, but additional data are needed to prove that conclusively. Therefore, this variant has been classified as Likely Pathogenic.

Literature cited by the submitters: PubMed 16199547; PubMed 16783569; PubMed 18546297; PubMed 27081566.

NM_003611.3(OFD1):c.2261-2A>C

Gene: OFD1 (OFD1 centriole and centriolar satellite protein; plus strand). Cytogenetic location: Xp22.2.
Variant type: single nucleotide variant.
Coding change: c.2261-2A>C on transcript NM_003611.3 (MANE Select); the canonical splice acceptor site of the intron before coding-DNA position 2261, A replaced by C.
Molecular consequence: splice acceptor variant.
Genome position (GRCh38, 1-based): chrX:13,761,083, A>C. VCF-style: chrX-13761083-A-C. GRCh37 (hg19) VCF-style: chrX-13779202-A-C.
Other names: c.1841-2A>C (NM_001330210.2); c.2261-2A>C (NM_001440947.1); c.2141-2A>C (NM_001330209.2, NM_001440948.1).
Identifiers: ClinVar variation 4786635 (VCV004786635.1).
Genomic context (GRCh38, chrX:13,761,083, plus strand): 5'-CACGTTGGTATCTTCTCCGTGCAATTGGTAATATTCTTGCCTTGGTTCTTTCTGCACCTT[A>C]GGTCTGGGCAGATCACACATTGCTTCCCCCAGTCCTTGTCCTGACAGAATGCCCCTACCA-3'